The following is an entry in ClinVar:

ClinVar aggregate classification (germline): Uncertain significance. Review status: criteria provided, multiple submitters, no conflicts (2 of 4 stars). 3 submissions from 3 submitters: Uncertain significance (3). Last evaluated 2023-07-19.

Conditions:
Inborn genetic diseases. Identifiers: MedGen C0950123, MeSH D030342.

Allele frequency attached by ClinVar (database versions not stated): gnomAD exomes below 0.00001 and 0.00002; ExAC 0.00002.
gnomAD v4.1: 7 of 1,614,026 alleles (0.00043%); highest among the groups gnomAD compares: South Asian, 0.0044%; no homozygotes.

Submissions (3):

Ambry Genetics
Classification: Uncertain significance for Inborn genetic diseases. Last evaluated: 2023-07-19. Review status: criteria provided, single submitter. Criteria: Ambry Variant Classification Scheme 2023. Collection method: clinical testing. Allele origin: germline.

Blueprint Genetics
Classification: Uncertain significance. Last evaluated: 2023-03-22. Review status: criteria provided, single submitter. Criteria: ACMG Guidelines, 2015. Collection method: clinical testing. Allele origin: germline.

Labcorp Genetics (formerly Invitae), Labcorp
Classification: Uncertain significance. Last evaluated: 2022-06-20. Review status: criteria provided, single submitter. Criteria: Invitae Variant Classification Sherloc (09022015). Collection method: clinical testing. Allele origin: germline.
Comment: In summary, the available evidence is currently insufficient to determine the role of this variant in disease. Therefore, it has been classified as a Variant of Uncertain Significance. Algorithms developed to predict the effect of missense changes on protein structure and function are either unavailable or do not agree on the potential impact of this missense change (SIFT: "Deleterious"; PolyPhen-2: "Probably Damaging"; Align-GVGD: "Class C0"). This variant has not been reported in the literature in individuals affected with KIAA1549-related conditions. This variant is present in population databases (rs768385516, gnomAD 0.01%). This sequence change replaces histidine, which is basic and polar, with tyrosine, which is neutral and polar, at codon 1083 of the KIAA1549 protein (p.His1083Tyr).

NM_001164665.2(KIAA1549):c.3247C>T (p.His1083Tyr)

Gene: KIAA1549 (KIAA1549; minus strand). Cytogenetic location: 7q34.
Variant type: single nucleotide variant.
Coding change: c.3247C>T on transcript NM_001164665.2 (MANE Select); coding-DNA position 3247, C replaced by T.
Protein change: p.His1083Tyr; replaces histidine 1083 with tyrosine.
Molecular consequence: missense variant.
Genome position (GRCh38, 1-based): chr7:138,909,020, G>A on the plus strand (C>T on the coding strand, the complement: KIAA1549 is on the minus strand). VCF-style: chr7-138909020-G-A. GRCh37 (hg19) VCF-style: chr7-138593766-G-A.
Other names: c.3247C>T, p.His1083Tyr (NM_020910.3); c.3247C>T (NM_001164665.1); short protein forms H1083Y.
Identifiers: ClinVar variation 1422187 (VCV001422187.9), dbSNP rs768385516, ClinGen allele CA4506281.